The following is an entry in ClinVar:

ClinVar aggregate classification (germline): Pathogenic (1 of 4 stars; one submission).

Conditions:
Hereditary cancer-predisposing syndrome. Also called: Neoplastic Syndromes, Hereditary; Tumor predisposition; Hereditary Cancer Syndrome; Hereditary neoplastic syndrome. Identifiers: Orphanet 140162, MedGen C0027672, MeSH D009386, MONDO:0015356.

Submission:

Ambry Genetics
Classification: Pathogenic for Hereditary cancer-predisposing syndrome. Last evaluated: 2025-09-15. Review status: criteria provided, single submitter. Criteria: Ambry Variant Classification Scheme 2023. Collection method: clinical testing. Allele origin: germline.
Comment: The c.165delC pathogenic mutation, located in coding exon 1 of the CHEK2 gene, results from a deletion of one nucleotide at nucleotide position 165, causing a translational frameshift with a predicted alternate stop codon (p.S56Afs*5). This variant is considered to be rare based on population cohorts in the Genome Aggregation Database (gnomAD). This alteration is expected to result in loss of function by premature protein truncation or nonsense-mediated mRNA decay. As such, this alteration is interpreted as a disease-causing mutation.

NM_007194.4(CHEK2):c.165del (p.Ser56fs)

Gene: CHEK2 (checkpoint kinase 2; minus strand). Cytogenetic location: 22q12.1.
Variant type: Deletion.
Coding change: c.165del on transcript NM_007194.4 (MANE Select); coding-DNA position 165, one base deleted (C; older notation c.165delC).
Protein change: p.Ser56fs; shifts the reading frame from serine 56.
Molecular consequence: frameshift variant. On other transcripts: 5 prime UTR variant (1), intron variant (1).
Genome position (GRCh38, 1-based): chr22:28,734,557, G deleted on the plus strand (C on the coding strand, the reverse complement: CHEK2 is on the minus strand); the first of 2 consecutive G bases (chr22:28,734,557-28,734,558); deleting either gives the same sequence. VCF-style (leftmost placement, unchanged base first): chr22-28734556-TG-T. GRCh37 (hg19) VCF-style: chr22-29130544-TG-T.
Other names: c.165del, p.Ser56fs (NM_001005735.3, NM_001349956.3, NM_001438293.1 and 3 more transcripts); c.-613del (NM_001257387.3); c.-345+7212del (NM_001437942.1); short protein forms S56fs.
Identifiers: ClinVar variation 4634712 (VCV004634712.1).